The following is an entry in ClinVar:

ClinVar aggregate classification (germline): Benign/Likely benign. Review status: criteria provided, multiple submitters, no conflicts (2 of 4 stars). 2 submissions from 2 submitters: Benign (1); Likely benign (1). Last evaluated 2026-04-24.

Conditions:
Colorectal cancer, susceptibility to, 1. Also called: COLORECTAL ADENOMA AND CANCER, SUSCEPTIBILITY TO; COLORECTAL CANCER, SUSCEPTIBILITY TO, ON CHROMOSOME 9. Identifiers: MedGen C1837315, MONDO:0012132, OMIM 608812.

gnomAD v4.1: 1 of 1,614,208 alleles (0.000062%); highest among the groups gnomAD compares: Middle Eastern, 0.016%; no homozygotes.

Submissions (2):

Myriad Genetics, Inc.
Classification: Benign for Colorectal cancer, susceptibility to, 1. Last evaluated: 2026-04-24. Review status: criteria provided, single submitter. Criteria: Myriad Autosomal Dominant, Autosomal Recessive and X-Linked Classification Criteria (2023). Collection method: clinical testing. Allele origin: unknown.
Comment: This variant is considered benign. This variant is a silent/synonymous amino acid change and it is not expected to impact splicing.

Ambry Genetics
Classification: Likely benign. Last evaluated: 2023-09-22. Review status: criteria provided, single submitter. Criteria: Ambry Variant Classification Scheme 2023. Collection method: clinical testing. Allele origin: germline.

NM_024642.5(GALNT12):c.807G>T (p.Gly269=)

Gene: GALNT12 (polypeptide N-acetylgalactosaminyltransferase 12; plus strand). Cytogenetic location: 9q22.33.
Variant type: single nucleotide variant.
Coding change: c.807G>T on transcript NM_024642.5 (MANE Select); coding-DNA position 807, G replaced by T.
Protein change: p.Gly269=; no amino-acid change (glycine 269 retained).
Molecular consequence: synonymous variant.
Genome position (GRCh38, 1-based): chr9:98,831,847, G>T. VCF-style: chr9-98831847-G-T. GRCh37 (hg19) VCF-style: chr9-101594129-G-T.
Identifiers: ClinVar variation 3227962 (VCV003227962.2), dbSNP rs1400950638, ClinGen allele CA466424838.